The following is an entry in ClinVar:

NM_020461.4(TUBGCP6):c.1279C>T (p.Leu427Phe)

Gene: TUBGCP6 (tubulin gamma complex component 6; minus strand). Cytogenetic location: 22q13.33.
Variant type: single nucleotide variant.
Coding change: c.1279C>T on transcript NM_020461.4 (MANE Select); coding-DNA position 1279, C replaced by T.
Protein change: p.Leu427Phe; replaces leucine 427 with phenylalanine.
Molecular consequence: missense variant.
Genome position (GRCh38, 1-based): chr22:50,229,415, G>A on the plus strand (C>T on the coding strand, the complement: TUBGCP6 is on the minus strand). VCF-style: chr22-50229415-G-A. GRCh37 (hg19) VCF-style: chr22-50667844-G-A.
Other names: short protein forms L427F.
Identifiers: ClinVar variation 2084742 (VCV002084742.3), dbSNP rs760153532, ClinGen allele CA10308765.

ClinVar aggregate classification (germline): Uncertain significance. Review status: criteria provided, multiple submitters, no conflicts (2 of 4 stars). 2 submissions from 2 submitters: Uncertain significance (2). Last evaluated 2022-11-22.

Conditions:
Inborn genetic diseases. Identifiers: MedGen C0950123, MeSH D030342.

Allele frequency attached by ClinVar (database versions not stated): ExAC 0.00003.
gnomAD v4.1: 5 of 1,613,544 alleles (0.00031%); highest among the groups gnomAD compares: Admixed American, 0.0083%; no homozygotes.

Submissions (2):

Labcorp Genetics (formerly Invitae), Labcorp
Classification: Uncertain significance. Last evaluated: 2022-11-22. Review status: criteria provided, single submitter. Criteria: Invitae Variant Classification Sherloc (09022015). Collection method: clinical testing. Allele origin: germline.
Comment: In summary, the available evidence is currently insufficient to determine the role of this variant in disease. Therefore, it has been classified as a Variant of Uncertain Significance. Algorithms developed to predict the effect of missense changes on protein structure and function are either unavailable or do not agree on the potential impact of this missense change (SIFT: "Tolerated"; PolyPhen-2: "Probably Damaging"; Align-GVGD: "Class C0"). This variant has not been reported in the literature in individuals affected with TUBGCP6-related conditions. This variant is present in population databases (rs760153532, gnomAD 0.01%). This sequence change replaces leucine, which is neutral and non-polar, with phenylalanine, which is neutral and non-polar, at codon 427 of the TUBGCP6 protein (p.Leu427Phe).

Ambry Genetics
Classification: Uncertain significance for Inborn genetic diseases. Last evaluated: 2022-06-17. Review status: criteria provided, single submitter. Criteria: Ambry Variant Classification Scheme 2023. Collection method: clinical testing. Allele origin: germline.